The following is an entry in ClinVar:

NM_001253697.2(ERBIN):c.2088-1G>C

Gene: ERBIN (erbb2 interacting protein; plus strand). Cytogenetic location: 5q12.3.
Variant type: single nucleotide variant.
Coding change: c.2088-1G>C on transcript NM_001253697.2 (MANE Select); the canonical splice acceptor site of the intron before coding-DNA position 2088, G replaced by C.
Molecular consequence: splice acceptor variant.
Genome position (GRCh38, 1-based): chr5:66,053,405, G>C. VCF-style: chr5-66053405-G-C. GRCh37 (hg19) VCF-style: chr5-65349233-G-C.
Other names: c.2088-1G>C (NM_018695.4, NM_001253698.2, NM_001006600.3 and 1 more transcripts); c.2076-1G>C (NM_001253701.2).
Identifiers: ClinVar variation 2122725 (VCV002122725.4), dbSNP rs1759243665, ClinGen allele CA359864116.
Genomic context (GRCh38, chr5:66,053,405, plus strand): 5'-TTCCCTGTTACTAAGAAAACTCGGCTTTATTATGTTTTTCATAAAATTATCTTTATTTTA[G>C]GCAAGAAGATGAAAATTTTAACAGCCTTTTACAAAATGGAGATATTTTAAACAGTTCAAC-3'

ClinVar aggregate classification (germline): Uncertain significance (1 of 4 stars; one submission).

Allele frequency attached by ClinVar (database versions not stated): TOPMed below 0.00001.
gnomAD v4.1: 1 of 1,434,632 alleles (0.00007%); no homozygotes.

Submission:

Labcorp Genetics (formerly Invitae), Labcorp
Classification: Uncertain significance. Last evaluated: 2024-11-04. Review status: criteria provided, single submitter. Criteria: Invitae Variant Classification Sherloc (09022015). Collection method: clinical testing. Allele origin: germline.
Comment: This sequence change affects an acceptor splice site in intron 20 of the ERBIN gene. It is expected to disrupt RNA splicing. Variants that disrupt the donor or acceptor splice site typically lead to a loss of protein function (PMID: 16199547), however the current clinical and genetic evidence is not sufficient to establish whether loss-of-function variants in ERBIN cause disease. This variant is not present in population databases (gnomAD no frequency). This variant has not been reported in the literature in individuals affected with ERBIN-related conditions. ClinVar contains an entry for this variant (Variation ID: 2122725). Algorithms developed to predict the effect of sequence changes on RNA splicing suggest that this variant may disrupt the consensus splice site. In summary, the available evidence is currently insufficient to determine the role of this variant in disease. Therefore, it has been classified as a Variant of Uncertain Significance.

Literature cited by the submitters: PubMed 16199547.